The following is an entry in ClinVar:

NM_006231.4(POLE):c.377G>A (p.Gly126Asp)

Gene: POLE (DNA polymerase epsilon, catalytic subunit; minus strand). Cytogenetic location: 12q24.33.
Variant type: single nucleotide variant.
Coding change: c.377G>A on transcript NM_006231.4 (MANE Select); coding-DNA position 377, G replaced by A.
Protein change: p.Gly126Asp; replaces glycine 126 with aspartic acid.
Molecular consequence: missense variant.
Genome position (GRCh38, 1-based): chr12:132,680,000, C>T on the plus strand (G>A on the coding strand, the complement: POLE is on the minus strand). VCF-style: chr12-132680000-C-T. GRCh37 (hg19) VCF-style: chr12-133256586-C-T.
Other names: c.377G>A (NM_006231.2); short protein forms G126D.
Identifiers: ClinVar variation 2859734 (VCV002859734.4), dbSNP rs2136028904, ClinGen allele CA387368095.

ClinVar aggregate classification (germline): Uncertain significance. Review status: criteria provided, multiple submitters, no conflicts (2 of 4 stars). 2 submissions from 2 submitters: Uncertain significance (2). Last evaluated 2026-04-08.

Conditions:
Hereditary cancer-predisposing syndrome. Also called: Hereditary neoplastic syndrome; Neoplastic Syndromes, Hereditary; Tumor predisposition; Hereditary Cancer Syndrome. Identifiers: Orphanet 140162, MedGen C0027672, MeSH D009386, MONDO:0015356.

Submissions (2):

Ambry Genetics
Classification: Uncertain significance for Hereditary cancer-predisposing syndrome. Last evaluated: 2026-04-08. Review status: criteria provided, single submitter. Criteria: Ambry Variant Classification Scheme 2023. Collection method: clinical testing. Allele origin: germline.
Comment: The p.G126D variant (also known as c.377G>A), located in coding exon 5 of the POLE gene, results from a G to A substitution at nucleotide position 377. The glycine at codon 126 is replaced by aspartic acid, an amino acid with similar properties. This amino acid position is highly conserved in available vertebrate species. In addition, the in silico prediction for this alteration is inconclusive. Based on the available evidence, the clinical significance of this variant remains unclear.

Labcorp Genetics (formerly Invitae), Labcorp
Classification: Uncertain significance. Last evaluated: 2023-04-27. Review status: criteria provided, single submitter. Criteria: Invitae Variant Classification Sherloc (09022015). Collection method: clinical testing. Allele origin: germline.
Comment: This sequence change replaces glycine, which is neutral and non-polar, with aspartic acid, which is acidic and polar, at codon 126 of the POLE protein (p.Gly126Asp). This variant is not present in population databases (gnomAD no frequency). This variant has not been reported in the literature in individuals affected with POLE-related conditions. Advanced modeling of protein sequence and biophysical properties (such as structural, functional, and spatial information, amino acid conservation, physicochemical variation, residue mobility, and thermodynamic stability) performed at Invitae indicates that this missense variant is not expected to disrupt POLE protein function. In summary, the available evidence is currently insufficient to determine the role of this variant in disease. Therefore, it has been classified as a Variant of Uncertain Significance.